The following is an entry in ClinVar:

NM_022072.5(NSUN3):c.621+3A>G

Gene: NSUN3 (NOP2/Sun RNA methyltransferase 3; plus strand). Cytogenetic location: 3q11.2.
Variant type: single nucleotide variant.
Coding change: c.621+3A>G on transcript NM_022072.5 (MANE Select); 3 bases into the intron after coding-DNA position 621, A replaced by G.
Molecular consequence: intron variant.
Genome position (GRCh38, 1-based): chr3:94,094,297, A>G. VCF-style: chr3-94094297-A-G. GRCh37 (hg19) VCF-style: chr3-93813141-A-G.
Identifiers: ClinVar variation 1562012 (VCV001562012.36), dbSNP rs181964621, ClinGen allele CA2504740.

ClinVar aggregate classification (germline): Likely benign. Review status: criteria provided, multiple submitters, no conflicts (2 of 4 stars). 2 submissions from 2 submitters: Likely benign (2). Last evaluated 2026-03-01.

Allele frequency attached by ClinVar (database versions not stated): 1000 Genomes Project 30x 0.00109; 1000 Genomes Project 0.00120; ESP Exome Variant Server 0.00192; gnomAD exomes 0.00252 and 0.00268; ExAC 0.00257; TOPMed 0.00259; gnomAD 0.00311 and 0.00319.
gnomAD v4.1: 4,099 of 1,609,986 alleles (0.25%); highest among the groups gnomAD compares: Admixed American, 0.39%; 10 homozygotes.

Submissions (2):

CeGaT Center for Human Genetics Tuebingen
Classification: Likely benign. Last evaluated: 2026-03-01. Review status: criteria provided, single submitter. Criteria: CeGaT Center For Human Genetics Tuebingen Variant Classification Criteria Version 2. Collection method: clinical testing. Allele origin: germline. Affected: yes. Observed: 13 variant alleles.
Comment: NSUN3: PP3, BS2

Labcorp Genetics (formerly Invitae), Labcorp
Classification: Likely benign. Last evaluated: 2026-01-19. Review status: criteria provided, single submitter. Criteria: Invitae Variant Classification Sherloc (09022015). Collection method: clinical testing. Allele origin: germline.